The following is an entry in ClinVar:

ClinVar aggregate classification (germline): Uncertain significance. Review status: criteria provided, multiple submitters, no conflicts (2 of 4 stars). 4 submissions from 4 submitters: Uncertain significance (3). 1 of the submissions does not count toward it. Last evaluated 2025-08-26.

Conditions:
Cystic fibrosis (CF). Also called: MUCOVISCIDOSIS. Identifiers: Orphanet 586, MedGen C0010674, MONDO:0009061, OMIM 219700. Disease mechanism: loss of function.
CFTR-related disorder (CFTR-RD). Also called: CFTR-related disorders; CFTR-related condition. Identifiers: MedGen C5924204, MONDO:7770004.

Allele frequency attached by ClinVar (database versions not stated): gnomAD 0.00001; ExAC 0.00002; gnomAD exomes 0.00001.
gnomAD v4.1: 12 of 1,612,694 alleles (0.00074%); highest among the groups gnomAD compares: Non-Finnish European, 0.001%; no homozygotes.

Submissions (4):

Ambry Genetics
Classification: Uncertain significance for Cystic fibrosis. Last evaluated: 2025-08-26. Review status: criteria provided, single submitter. Criteria: Ambry Variant Classification Scheme 2023. Collection method: clinical testing. Allele origin: germline.
Comment: The p.A1225V variant (also known as c.3674C>T), located in coding exon 22 of the CFTR gene, results from a C to T substitution at nucleotide position 3674. The alanine at codon 1225 is replaced by valine, an amino acid with similar properties. This variant was detected in an individual diagnosed with cystic fibrosis with respiratory symptoms, who also had an additional CFTR variant detected with phase unknown (Soltysova A et al. Clin Respir J, 2018 Mar;12:1197-1206). This amino acid position is well conserved in available vertebrate species. In addition, the in silico prediction for this alteration is inconclusive. Based on the available evidence, the clinical significance of this variant remains unclear.

Labcorp Genetics (formerly Invitae), Labcorp
Classification: Uncertain significance for Cystic fibrosis. Last evaluated: 2024-10-14. Review status: criteria provided, single submitter. Criteria: Invitae Variant Classification Sherloc (09022015). Collection method: clinical testing. Allele origin: germline.
Comment: This sequence change replaces alanine, which is neutral and non-polar, with valine, which is neutral and non-polar, at codon 1225 of the CFTR protein (p.Ala1225Val). The frequency data for this variant in the population databases is considered unreliable, as metrics indicate poor data quality at this position in the gnomAD database. This missense change has been observed in individual(s) with cystic fibrosis (PMID: 22326559, 28544683). ClinVar contains an entry for this variant (Variation ID: 942569). Invitae Evidence Modeling of protein sequence and biophysical properties (such as structural, functional, and spatial information, amino acid conservation, physicochemical variation, residue mobility, and thermodynamic stability) indicates that this missense variant is not expected to disrupt CFTR protein function with a negative predictive value of 80%. In summary, the available evidence is currently insufficient to determine the role of this variant in disease. Therefore, it has been classified as a Variant of Uncertain Significance.

Women's Health and Genetics/Laboratory Corporation of America, LabCorp
Classification: Uncertain significance. Last evaluated: 2023-05-26. Review status: criteria provided, single submitter. Criteria: LabCorp Variant Classification Summary - May 2015. Collection method: clinical testing. Allele origin: germline.
Comment: Variant summary: CFTR c.3674C>T (p.Ala1225Val) results in a non-conservative amino acid change located in the ABC transporter-like, ATP-binding domain (IPR003439) of the encoded protein sequence. Four of five in-silico tools predict a damaging effect of the variant on protein function. The variant allele was found at a frequency of 8e-06 in 249912 control chromosomes (gnomAD). The available data on variant occurrences in the general population are insufficient to allow any conclusion about variant significance. c.3674C>T has been reported in the literature in individuals affected with Cystic Fibrosis without strong evidence of causality and without known pathogenic variants in trans (Poulou_2012, Soltysova_2017). These reports do not provide unequivocal conclusions about association of the variant with Cystic Fibrosis. To our knowledge, no experimental evidence demonstrating an impact on protein function has been reported. The following publications have been ascertained in the context of this evaluation (PMID: 22326559, 28544683). Three clinical diagnostic laboratories have submitted clinical-significance assessments for this variant to ClinVar after 2014, and classified it as uncertain significance. Based on the evidence outlined above, the variant was classified as uncertain significance.

Natera, Inc.
Classification: Uncertain significance for CFTR-related disorders. Last evaluated: 2019-06-20. Review status: no assertion criteria provided. Collection method: clinical testing. Allele origin: germline. Not counted in ClinVar's aggregate classification.

Literature cited by the submitters: PubMed 22326559 (cited by 3 submitters); PubMed 28544683 (cited by 3 submitters).

NM_000492.4(CFTR):c.3674C>T (p.Ala1225Val)

Genes: CFTR (CF transmembrane conductance regulator; plus strand), CFTR-AS2 (CFTR antisense RNA 2; minus strand). Cytogenetic location: 7q31.2.
Variant type: single nucleotide variant.
Coding change: c.3674C>T on transcript NM_000492.4 (MANE Select); coding-DNA position 3674, C replaced by T.
Protein change: p.Ala1225Val; replaces alanine 1225 with valine.
Molecular consequence: missense variant.
Genome position (GRCh38, 1-based): chr7:117,627,727, C>T. VCF-style: chr7-117627727-C-T. GRCh37 (hg19) VCF-style: chr7-117267781-C-T.
Other names: short protein forms A1225V.
Identifiers: ClinVar variation 942569 (VCV000942569.13), dbSNP rs770358073, ClinGen allele CA4451514.
Genomic context (GRCh38, chr7:117,627,727, plus strand): 5'-CCTCAGGGGGCCAAATGACTGTCAAAGATCTCACAGCAAAATACACAGAAGGTGGAAATG[C>T]CATATTAGAGAACATTTCCTTCTCAATAAGTCCTGGCCAGAGGGTGAGATTTGAACACTG-3'
Protein context (NP_000483.3, residues 1215-1235): LTAKYTEGGN[Ala1225Val]ILENISFSIS